The following is an entry in ClinVar:

ClinVar aggregate classification (germline): Uncertain significance. Review status: criteria provided, multiple submitters, no conflicts (2 of 4 stars). 4 submissions from 4 submitters: Uncertain significance (4). Last evaluated 2026-03-09.

Conditions:
Cardiovascular phenotype. Identifiers: MedGen CN230736.
Noonan syndrome 9 (NS9). Identifiers: Orphanet 648, MedGen C4225282, MONDO:0014691, OMIM 616559.
SOS2-related disorder. Also called: SOS2-related condition.

Allele frequency attached by ClinVar (database versions not stated): gnomAD 0.00001; gnomAD exomes 0.00001 and 0.00002; ExAC 0.00003.

Submissions (4):

Ambry Genetics
Classification: Uncertain significance for Cardiovascular phenotype. Last evaluated: 2026-03-09. Review status: criteria provided, single submitter. Criteria: Ambry Variant Classification Scheme 2023. Collection method: clinical testing. Allele origin: germline.
Comment: The p.R215W variant (also known as c.643C>T), located in coding exon 5 of the SOS2 gene, results from a C to T substitution at nucleotide position 643. The arginine at codon 215 is replaced by tryptophan, an amino acid with dissimilar properties. This amino acid position is conserved. In addition, this alteration is predicted to be deleterious by in silico analysis. Based on the available evidence, the clinical significance of this variant remains unclear.

Labcorp Genetics (formerly Invitae), Labcorp
Classification: Uncertain significance for Noonan syndrome 9. Last evaluated: 2025-12-24. Review status: criteria provided, single submitter. Criteria: Invitae Variant Classification Sherloc (09022015). Collection method: clinical testing. Allele origin: germline.
Comment: This sequence change replaces arginine, which is basic and polar, with tryptophan, which is neutral and slightly polar, at codon 215 of the SOS2 protein (p.Arg215Trp). This variant is present in population databases (rs745812984, gnomAD 0.007%). This variant has not been reported in the literature in individuals affected with SOS2-related conditions. ClinVar contains an entry for this variant (Variation ID: 975934). Invitae Evidence Modeling of protein sequence and biophysical properties (such as structural, functional, and spatial information, amino acid conservation, physicochemical variation, residue mobility, and thermodynamic stability) has been performed for this missense variant. However, the output from this modeling did not meet the statistical confidence thresholds required to predict the impact of this variant on SOS2 protein function. In summary, the available evidence is currently insufficient to determine the role of this variant in disease. Therefore, it has been classified as a Variant of Uncertain Significance.

PreventionGenetics, part of Exact Sciences
Classification: Uncertain significance for SOS2-related condition. Last evaluated: 2022-08-23. Review status: criteria provided, single submitter. Criteria: ACMG Guidelines, 2015. Collection method: clinical testing. Allele origin: germline.
Comment: The SOS2 c.643C>T variant is predicted to result in the amino acid substitution p.Arg215Trp. To our knowledge, this variant has not been reported in the literature. This variant is reported in 0.0068% of alleles in individuals of South Asian descent in gnomAD. Although we suspect that this variant may be benign, at this time, the clinical significance of this variant is uncertain due to the absence of conclusive functional and genetic evidence.

Institute of Human Genetics, University of Leipzig Medical Center
Classification: Uncertain significance for Noonan syndrome 9. Last evaluated: 2017-05-23. Review status: criteria provided, single submitter. Criteria: ACMG Guidelines, 2015. Collection method: clinical testing. Allele origin: germline. Affected: yes. Observed: 1 variant allele.

NM_006939.4(SOS2):c.643C>T (p.Arg215Trp)

Gene: SOS2 (SOS Ras/Rho guanine nucleotide exchange factor 2; minus strand). Cytogenetic location: 14q21.3.
Variant type: single nucleotide variant.
Coding change: c.643C>T on transcript NM_006939.4 (MANE Select); coding-DNA position 643, C replaced by T.
Protein change: p.Arg215Trp; replaces arginine 215 with tryptophan.
Molecular consequence: missense variant.
Genome position (GRCh38, 1-based): chr14:50,188,568, G>A on the plus strand (C>T on the coding strand, the complement: SOS2 is on the minus strand). VCF-style: chr14-50188568-G-A. GRCh37 (hg19) VCF-style: chr14-50655286-G-A.
Other names: c.643C>T (NM_006939.3); short protein forms R215W.
Identifiers: ClinVar variation 975934 (VCV000975934.7), dbSNP rs745812984, ClinGen allele CA7177482.